The following is an entry in ClinVar:

NM_001009944.3(PKD1):c.5068G>A (p.Ala1690Thr)

Gene: PKD1 (polycystin 1, transient receptor potential channel interacting; minus strand). Cytogenetic location: 16p13.3.
Variant type: single nucleotide variant.
Coding change: c.5068G>A on transcript NM_001009944.3 (MANE Select); coding-DNA position 5068, G replaced by A.
Protein change: p.Ala1690Thr; replaces alanine 1690 with threonine.
Molecular consequence: missense variant.
Genome position (GRCh38, 1-based): chr16:2,110,099, C>T on the plus strand (G>A on the coding strand, the complement: PKD1 is on the minus strand). VCF-style: chr16-2110099-C-T. GRCh37 (hg19) VCF-style: chr16-2160100-C-T.
Other names: c.5068G>A, p.Ala1690Thr (NM_000296.4); short protein forms A1690T.
Identifiers: ClinVar variation 1341797 (VCV001341797.3), dbSNP rs780133373, ClinGen allele CA7832134.

ClinVar aggregate classification (germline): Uncertain significance. Review status: criteria provided, single submitter (1 of 4 stars). 2 submissions from 2 submitters: Uncertain significance (1). 1 of the submissions does not count toward it. Last evaluated 2021-01-29.

Conditions:
Polycystic kidney disease, adult type (PKD1). Also called: POLYCYSTIC KIDNEY DISEASE 1 WITH OR WITHOUT POLYCYSTIC LIVER DISEASE; POLYCYSTIC KIDNEY DISEASE, ADULT, TYPE I; Polycystic Kidney Disease 1, Autosomal Dominant; Polycystic kidney disease 1; Polycystic kidney disease 1, severe; Polycystic Kidney, Autosomal Dominant. Identifiers: MedGen C3149841, MONDO:0008263, OMIM 173900.
PKD1-related disorder. Also called: PKD1-related condition.

Allele frequency attached by ClinVar (database versions not stated): gnomAD 0.00002; gnomAD exomes 0.00003 and 0.00011; ExAC 0.00005; TOPMed 0.00008.
gnomAD v4.1: 45 of 1,609,600 alleles (0.0028%); highest among the groups gnomAD compares: Admixed American, 0.052%; no homozygotes.

Submissions (2):

New York Genome Center
Classification: Uncertain significance for Polycystic kidney disease, adult type. Last evaluated: 2021-01-29. Review status: criteria provided, single submitter. Criteria: NYGC Assertion Criteria 2020. Collection method: clinical testing. Allele origin: inherited. Observed: 1 heterozygote. Study: CSER-NYCKidSeq.

PreventionGenetics, part of Exact Sciences
Classification: Likely benign for PKD1-related condition. Last evaluated: 2023-01-19. Review status: no assertion criteria provided. Collection method: clinical testing. Allele origin: germline. Not counted in ClinVar's aggregate classification.
Comment: This variant is classified as likely benign based on ACMG/AMP sequence variant interpretation guidelines (Richards et al. 2015 PMID: 25741868, with internal and published modifications).